The following is an entry in ClinVar:

NM_003681.5(PDXK):c.377T>C (p.Met126Thr)

Gene: PDXK (pyridoxal kinase; plus strand). Cytogenetic location: 21q22.3.
Variant type: single nucleotide variant.
Coding change: c.377T>C on transcript NM_003681.5 (MANE Select); coding-DNA position 377, T replaced by C.
Protein change: p.Met126Thr; replaces methionine 126 with threonine.
Molecular consequence: missense variant.
Genome position (GRCh38, 1-based): chr21:43,746,124, T>C. VCF-style: chr21-43746124-T-C. GRCh37 (hg19) VCF-style: chr21-45166005-T-C.
Other names: c.257T>C, p.Met86Thr (NM_001331030.2); short protein forms M86T, M126T.
Identifiers: ClinVar variation 2405639 (VCV002405639.15), dbSNP rs147263135, ClinGen allele CA10048561.

ClinVar aggregate classification (germline): Uncertain significance. Review status: criteria provided, multiple submitters, no conflicts (2 of 4 stars). 2 submissions from 2 submitters: Uncertain significance (2). Last evaluated 2025-02-01.

Allele frequency attached by ClinVar (database versions not stated): ExAC 0.00002; gnomAD 0.00003; gnomAD exomes 0.00003; TOPMed 0.00003; ESP Exome Variant Server 0.00023.

Submissions (2):

CeGaT Center for Human Genetics Tuebingen
Classification: Uncertain significance. Last evaluated: 2025-02-01. Review status: criteria provided, single submitter. Criteria: CeGaT Center For Human Genetics Tuebingen Variant Classification Criteria Version 2. Collection method: clinical testing. Allele origin: germline. Affected: yes. Observed: 1 variant allele.
Comment: PDXK: PM2

Ambry Genetics
Classification: Uncertain significance. Last evaluated: 2021-11-29. Review status: criteria provided, single submitter. Criteria: Ambry Variant Classification Scheme 2023. Collection method: clinical testing. Allele origin: germline.